The following is an entry in ClinVar:

ClinVar aggregate classification (germline): Uncertain significance (1 of 4 stars; one submission).

Submission:

Ambry Genetics
Classification: Uncertain significance. Last evaluated: 2025-06-05. Review status: criteria provided, single submitter. Criteria: Ambry Variant Classification Scheme 2023. Collection method: clinical testing. Allele origin: germline.
Comment: The p.N644S variant (also known as c.1931A>G), located in coding exon 1 of the MLH3 gene, results from an A to G substitution at nucleotide position 1931. The asparagine at codon 644 is replaced by serine, an amino acid with highly similar properties. This amino acid position is conserved. In addition, this alteration is predicted to be tolerated by in silico analysis. Since supporting evidence is limited at this time, the clinical significance of this alteration remains unclear.

NM_001040108.2(MLH3):c.1931A>G (p.Asn644Ser)

Gene: MLH3 (mutL homolog 3; minus strand). Cytogenetic location: 14q24.3.
Variant type: single nucleotide variant.
Coding change: c.1931A>G on transcript NM_001040108.2 (MANE Select); coding-DNA position 1931, A replaced by G.
Protein change: p.Asn644Ser; replaces asparagine 644 with serine.
Molecular consequence: missense variant.
Genome position (GRCh38, 1-based): chr14:75,047,725, T>C on the plus strand (A>G on the coding strand, the complement: MLH3 is on the minus strand). VCF-style: chr14-75047725-T-C. GRCh37 (hg19) VCF-style: chr14-75514428-T-C.
Other names: c.1931A>G, p.Asn644Ser (NM_014381.3); short protein forms N644S.
Identifiers: ClinVar variation 1782890 (VCV001782890.3), dbSNP rs2503282885, ClinGen allele CA390443730.